The following is an entry in ClinVar:

NC_000017.10:g.(?_41215330)_(41219732_?)del

Gene: BRCA1 (BRCA1 DNA repair associated; minus strand). Cytogenetic location: 17q21.31.
Variant type: Deletion.
Identifiers: ClinVar variation 1069176 (VCV001069176.2).

ClinVar aggregate classification (germline): Pathogenic (1 of 4 stars; one submission).

Conditions:
Hereditary breast ovarian cancer syndrome. Also called: Breast and ovarian cancer; BRCA1- and BRCA2-Associated Hereditary Breast and Ovarian Cancer; Hereditary breast and ovarian cancer syndrome; Hereditary breast and/or ovarian cancer syndrome; Hereditary breast and ovarian cancer; Hereditary breast and ovarian cancer syndrome (HBOC). Identifiers: Orphanet 145, MedGen C0677776, MeSH D061325, MONDO:0003582. Disease mechanism: loss of function.

Submission:

Labcorp Genetics (formerly Invitae), Labcorp
Classification: Pathogenic for Hereditary breast ovarian cancer syndrome. Last evaluated: 2022-10-20. Review status: criteria provided, single submitter. Criteria: Invitae Variant Classification Sherloc (09022015). Collection method: clinical testing. Allele origin: germline.
Comment: This variant is a gross deletion of the genomic region encompassing exon(s) 16-18 of the BRCA1 gene. This variant would be expected to be in-frame, preserving the integrity of the reading frame. A similar copy number variant has been observed in individual(s) with breast and ovarian cancer (PMID: 10978226, 18097605, 18546071, 23704984). This variant is also known as deletion of exons 17-19. This variant disrupts the BRCT domain, which is important for DNA repair activity (PMID: 11573086, 14576433, 15133503, 25652403). While functional studies have not been performed to directly test the effect of this variant on BRCA1 protein function, this suggests that disruption of this region of the protein is causative of disease. This variant disrupts a region of the BRCA1 protein in which other variant(s) (p.Ser1715Arg, p.Trp1718Cys) have been determined to be pathogenic (PMID: 11157798, 14534301, 15172985, 16528612, 17924331, 20516115, 30209399). This suggests that this is a clinically significant region of the protein, and that variants that disrupt it are likely to be disease-causing. For these reasons, this variant has been classified as Pathogenic.

Literature cited by the submitters: PubMed 10978226; PubMed 18097605; PubMed 18546071; PubMed 23704984; PubMed 11573086; PubMed 14576433; PubMed 15133503; PubMed 25652403; PubMed 11157798; PubMed 14534301; PubMed 15172985; PubMed 16528612; PubMed 17924331; PubMed 20516115; PubMed 30209399.